The following is an entry in ClinVar:

ClinVar aggregate classification (germline): Conflicting classifications of pathogenicity. Review status: criteria provided, conflicting classifications (1 of 4 stars). 2 submissions from 2 submitters: Uncertain significance (1); Likely benign (1). Last evaluated 2025-02-13.

Conditions:
Cardiovascular phenotype. Identifiers: MedGen CN230736.

gnomAD v4.1: 76 of 1,612,522 alleles (0.0047%); highest among the groups gnomAD compares: African/African-American, 0.084%; no homozygotes.

Submissions (2):

Ambry Genetics
Classification: Likely benign for Cardiovascular phenotype. Last evaluated: 2025-02-13. Review status: criteria provided, single submitter. Criteria: Ambry Variant Classification Scheme 2023. Collection method: clinical testing. Allele origin: germline.

Labcorp Genetics (formerly Invitae), Labcorp
Classification: Uncertain significance. Last evaluated: 2024-05-23. Review status: criteria provided, single submitter. Criteria: Invitae Variant Classification Sherloc (09022015). Collection method: clinical testing. Allele origin: germline.
Comment: This sequence change replaces arginine, which is basic and polar, with glycine, which is neutral and non-polar, at codon 650 of the TNXB protein (p.Arg650Gly). This variant is present in population databases (rs773316282, gnomAD 0.09%). This variant has not been reported in the literature in individuals affected with TNXB-related conditions. ClinVar contains an entry for this variant (Variation ID: 1783157). An algorithm developed to predict the effect of missense changes on protein structure and function (PolyPhen-2) suggests that this variant is likely to be disruptive. In summary, the available evidence is currently insufficient to determine the role of this variant in disease. Therefore, it has been classified as a Variant of Uncertain Significance.

NM_001365276.2(TNXB):c.1948C>G (p.Arg650Gly)

Gene: TNXB (tenascin XB; minus strand). Cytogenetic location: 6p21.33.
Variant type: single nucleotide variant.
Coding change: c.1948C>G on transcript NM_001365276.2 (MANE Select); coding-DNA position 1948, C replaced by G.
Protein change: p.Arg650Gly; replaces arginine 650 with glycine.
Molecular consequence: missense variant.
Genome position (GRCh38, 1-based): chr6:32,095,905, G>C on the plus strand (C>G on the coding strand, the complement: TNXB is on the minus strand). VCF-style: chr6-32095905-G-C. GRCh37 (hg19) VCF-style: chr6-32063682-G-C.
Other names: c.1948C>G, p.Arg650Gly (NM_019105.8); short protein forms R650G.
Identifiers: ClinVar variation 1783157 (VCV001783157.5), dbSNP rs773316282, ClinGen allele CA3735588.
Genomic context (GRCh38, chr6:32,095,905, plus strand): 5'-GGCACAGGCACACTCCTTGCACACACCGCCCACGTCCCCGGCAGTCAGCCGGGCACATGC[G>C]GGTGGCACAGGTAGGGCCGGTGTAGCCTGGGTCGCACAGGCAGCGCCCTTCCTCACAGCG-3'
Protein context (NP_001352205.1, residues 640-660): PGYTGPTCAT[Arg650Gly]MCPADCRGRG